The following is an entry in ClinVar:

ClinVar aggregate classification (germline): Likely pathogenic (0 of 4 stars; one submission).

Conditions:
TCOF1-related disorder. Also called: TCOF1-related condition.

Submission:

PreventionGenetics, part of Exact Sciences
Classification: Likely pathogenic for TCOF1-related condition. Last evaluated: 2024-02-16. Review status: no assertion criteria provided. Collection method: clinical testing. Allele origin: germline.
Comment: The TCOF1 c.108+1G>A variant is predicted to disrupt the GT donor site and interfere with normal splicing. To our knowledge, this variant has not been reported in the literature or in a large population database, indicating this variant is rare. Variants that disrupt the consensus splice donor site in TCOF1 are expected to be pathogenic. This variant is interpreted as likely pathogenic.

NM_001371623.1(TCOF1):c.108+1G>A

Gene: TCOF1 (treacle ribosome biogenesis factor 1; plus strand). Cytogenetic location: 5q32.
Variant type: single nucleotide variant.
Coding change: c.108+1G>A on transcript NM_001371623.1 (MANE Select); the canonical splice donor site of the intron after coding-DNA position 108, G replaced by A.
Molecular consequence: splice donor variant.
Genome position (GRCh38, 1-based): chr5:150,357,855, G>A. VCF-style: chr5-150357855-G-A. GRCh37 (hg19) VCF-style: chr5-149737418-G-A.
Other names: c.108+1G>A (NM_001135243.2, NM_001135244.2, NM_001195141.2 and 3 more transcripts).
Identifiers: ClinVar variation 3061355 (VCV003061355.2), dbSNP rs2532521575, ClinGen allele CA361726421.